The following is an entry in ClinVar:

NM_006892.4(DNMT3B):c.930G>C (p.Arg310Ser)

Gene: DNMT3B (DNA methyltransferase 3 beta; plus strand). Cytogenetic location: 20q11.21.
Variant type: single nucleotide variant.
Coding change: c.930G>C on transcript NM_006892.4 (MANE Select); coding-DNA position 930, G replaced by C.
Protein change: p.Arg310Ser; replaces arginine 310 with serine.
Molecular consequence: missense variant.
Genome position (GRCh38, 1-based): chr20:32,792,634, G>C. VCF-style: chr20-32792634-G-C. GRCh37 (hg19) VCF-style: chr20-31380440-G-C.
Other names: c.804G>C, p.Arg268Ser (NM_001207055.2); c.702G>C, p.Arg234Ser (NM_001207056.2); c.930G>C, p.Arg310Ser (NM_175848.2, NM_175849.2); c.966G>C, p.Arg322Ser (NM_175850.3); short protein forms R268S, R310S, R234S, R322S.
Identifiers: ClinVar variation 853590 (VCV000853590.10), dbSNP rs772806134, ClinGen allele CA408589212.

ClinVar aggregate classification (germline): Uncertain significance. Review status: criteria provided, multiple submitters, no conflicts (2 of 4 stars). 2 submissions from 2 submitters: Uncertain significance (2). Last evaluated 2022-11-07.

Conditions:
DNMT3B-related disorder. Also called: DNMT3B-related condition.
Centromeric instability of chromosomes 1,9 and 16 and immunodeficiency (ICF1). Also called: IMMUNE DEFICIENCY, VARIABLE, WITH CENTROMERIC INSTABILITY OF CHROMOSOMES 1, 9, AND 16; IMMUNODEFICIENCY SYNDROME, VARIABLE; Immunodeficiency-centromeric instability-facial anomalies; CENTROMERIC INSTABILITY, IMMUNODEFICIENCY SYNDROME. Identifiers: Orphanet 2268, MedGen C0398788, MONDO:0000133.

Submissions (2):

PreventionGenetics, part of Exact Sciences
Classification: Uncertain significance for DNMT3B-related condition. Last evaluated: 2022-11-07. Review status: criteria provided, single submitter. Criteria: ACMG Guidelines, 2015. Collection method: clinical testing. Allele origin: germline.
Comment: The DNMT3B c.930G>C variant is predicted to result in the amino acid substitution p.Arg310Ser. To our knowledge, this variant has not been reported in the literature or in a large population database, indicating this variant is rare. At this time, the clinical significance of this variant is uncertain due to the absence of conclusive functional and genetic evidence.

Labcorp Genetics (formerly Invitae), Labcorp
Classification: Uncertain significance for Centromeric instability of chromosomes 1,9 and 16 and immunodeficiency. Last evaluated: 2019-09-18. Review status: criteria provided, single submitter. Criteria: Invitae Variant Classification Sherloc (09022015). Collection method: clinical testing. Allele origin: germline.
Comment: This variant has not been reported in the literature in individuals with DNMT3B-related conditions. In summary, the available evidence is currently insufficient to determine the role of this variant in disease. Therefore, it has been classified as a Variant of Uncertain Significance. Algorithms developed to predict the effect of missense changes on protein structure and function are either unavailable or do not agree on the potential impact of this missense change (SIFT: "Deleterious"; PolyPhen-2: "Probably Damaging"; Align-GVGD: "Class C15"). This variant is not present in population databases (ExAC no frequency). This sequence change replaces arginine with serine at codon 310 of the DNMT3B protein (p.Arg310Ser). The arginine residue is highly conserved and there is a moderate physicochemical difference between arginine and serine.